The following is an entry in ClinVar:

NM_000540.3(RYR1):c.8401-8C>T

Genes: RYR1 (ryanodine receptor 1; plus strand), LOC126862902 (BRD4-independent group 4 enhancer GRCh37_chr19:38995830-38997029; plus strand). Cytogenetic location: 19q13.2.
Variant type: single nucleotide variant.
Coding change: c.8401-8C>T on transcript NM_000540.3 (MANE Select); 8 bases into the intron before coding-DNA position 8401, C replaced by T.
Molecular consequence: intron variant.
Genome position (GRCh38, 1-based): chr19:38,505,798, C>T. VCF-style: chr19-38505798-C-T. GRCh37 (hg19) VCF-style: chr19-38996438-C-T.
Other names: c.8401-8C>T (NM_001042723.2).
Identifiers: ClinVar variation 681086 (VCV000681086.10), dbSNP rs746571631, ClinGen allele CA071990.
Genomic context (GRCh38, chr19:38,505,798, plus strand): 5'-TTTGGGGTCCTTCCTCCACCCCTCTCTCATCCCATTCCACCAACTCCCCACCCTCCTGTC[C>T]ACCCCAGGACAAAGAGATTTACCGCTGGCCCATCAAGGAGTCCCTGAAGGCCATGATTGC-3'

ClinVar aggregate classification (germline): Likely benign. Review status: criteria provided, multiple submitters, no conflicts (2 of 4 stars). 2 submissions from 2 submitters: Likely benign (2). Last evaluated 2025-10-06.

Conditions:
RYR1-related disorder. Also called: RYR1-related condition; RYR1-related disorders. Identifiers: MedGen CN239331.

Allele frequency attached by ClinVar (database versions not stated): ExAC 0.00001; TOPMed 0.00002.
gnomAD v4.1: 65 of 1,613,980 alleles (0.004%); highest among the groups gnomAD compares: Non-Finnish European, 0.005%; no homozygotes.

Submissions (2):

Labcorp Genetics (formerly Invitae), Labcorp
Classification: Likely benign for RYR1-related disorder. Last evaluated: 2025-10-06. Review status: criteria provided, single submitter. Criteria: Invitae Variant Classification Sherloc (09022015). Collection method: clinical testing. Allele origin: germline.

GeneDx
Classification: Likely benign. Last evaluated: 2018-03-21. Review status: criteria provided, single submitter. Criteria: GeneDx Variant Classification (06012015). Collection method: clinical testing. Allele origin: germline. Affected: yes.
Comment: This variant is considered likely benign or benign based on one or more of the following criteria: it is a conservative change, it occurs at a poorly conserved position in the protein, it is predicted to be benign by multiple in silico algorithms, and/or has population frequency not consistent with disease.